The following is an entry in ClinVar:

NC_000013.10:g.(?_23869544)_(23869636_?)dup

Gene: SGCG (sarcoglycan gamma; plus strand). Cytogenetic location: 13q12.12.
Variant type: Duplication.
Identifiers: ClinVar variation 1493233 (VCV001493233.6).

ClinVar aggregate classification (germline): Likely pathogenic (1 of 4 stars; one submission).

Conditions:
Autosomal recessive limb-girdle muscular dystrophy type 2C (LGMDR5). Also called: MUSCULAR DYSTROPHY, DUCHENNE-LIKE; MUSCULAR DYSTROPHY, LIMB-GIRDLE, AUTOSOMAL RECESSIVE 5. Identifiers: Orphanet 353, MedGen C0410173, MONDO:0009677, OMIM 253700. Disease mechanism: Affects gamma-sarcoglycan and also disrupts the integrity of the entire sarcoglycan complex..

Submission:

Labcorp Genetics (formerly Invitae), Labcorp
Classification: Likely pathogenic for Autosomal recessive limb-girdle muscular dystrophy type 2C. Last evaluated: 2021-02-18. Review status: criteria provided, single submitter. Criteria: Invitae Variant Classification Sherloc (09022015). Collection method: clinical testing. Allele origin: germline.
Comment: In summary, the currently available evidence indicates that the variant is pathogenic, but additional data are needed to prove that conclusively. Therefore, this variant has been classified as Likely Pathogenic. This variant has not been reported in the literature in individuals with SGCG-related conditions. This variant results in a copy number gain of the genomic region encompassing exon(s) 6 of the SGCG gene. While the exact position of this variant cannot be determined from the data, sub-genic copy number gains are generally in tandem (PMID: 25640679). This variant is predicted to be out-of-frame, and may result in an absent or disrupted protein product. Loss-of-function variants in SGCG are known to be pathogenic (PMID: 18285821).

Literature cited by the submitters: PubMed 25640679; PubMed 18285821.